The following is an entry in ClinVar:

ClinVar aggregate classification (germline): Likely pathogenic (1 of 4 stars; one submission).

Conditions:
Spondyloepiphyseal dysplasia congenita (SEDC). Also called: SED CONGENITA; SPONDYLOEPIPHYSEAL DYSPLASIA, CONGENITAL TYPE. Identifiers: Orphanet 94068, MedGen C2745959, MONDO:0008471, OMIM 183900.

Submission:

MGZ Medical Genetics Center
Classification: Likely pathogenic for Spondyloepiphyseal dysplasia congenita. Last evaluated: 2022-07-18. Review status: criteria provided, single submitter. Criteria: ACMG Guidelines, 2015. Collection method: clinical testing. Allele origin: germline. Affected: yes. Observed: 1 variant allele.
Comment: ACMG criteria applied: PM1_STR, PS4_SUP, PM2_SUP, PP2, PP3

NM_001844.5(COL2A1):c.2104G>A (p.Gly702Ser)

Gene: COL2A1 (collagen type II alpha 1 chain; minus strand). Cytogenetic location: 12q13.11.
Variant type: single nucleotide variant.
Coding change: c.2104G>A on transcript NM_001844.5 (MANE Select); coding-DNA position 2104, G replaced by A.
Protein change: p.Gly702Ser; replaces glycine 702 with serine.
Molecular consequence: missense variant.
Genome position (GRCh38, 1-based): chr12:47,982,937, C>T on the plus strand (G>A on the coding strand, the complement: COL2A1 is on the minus strand). VCF-style: chr12-47982937-C-T. GRCh37 (hg19) VCF-style: chr12-48376720-C-T.
Other names: c.1897G>A, p.Gly633Ser (NM_033150.3); short protein forms G633S, G702S.
Identifiers: ClinVar variation 1709705 (VCV001709705.2), dbSNP rs2540136191, ClinGen allele CA384547235.
Genomic context (GRCh38, chr12:47,982,937, plus strand): 5'-GGAGGCCACGGGGACCCTGGAGGCCCTGGGCACCGGGAGAGCCACGTTCACCTGGGAAAC[C>T]TCGTTCACCCTGCGGCAGAGACACCAAGAAGTGATCAACCAACAGCAGTGGGGGAGAAGG-3'
Protein context (NP_001835.3, residues 692-712): PGLVGPRGER[Gly702Ser]FPGERGSPGA